The following is an entry in ClinVar:

NM_030665.4(RAI1):c.511C>G (p.Leu171Val)

Gene: RAI1 (retinoic acid induced 1; plus strand). Cytogenetic location: 17p11.2.
Variant type: single nucleotide variant.
Coding change: c.511C>G on transcript NM_030665.4 (MANE Select); coding-DNA position 511, C replaced by G.
Protein change: p.Leu171Val; replaces leucine 171 with valine.
Molecular consequence: missense variant.
Genome position (GRCh38, 1-based): chr17:17,793,459, C>G. VCF-style: chr17-17793459-C-G. GRCh37 (hg19) VCF-style: chr17-17696773-C-G.
Other names: short protein forms L171V.
Identifiers: ClinVar variation 2743083 (VCV002743083.3), dbSNP rs1480648775, ClinGen allele CA398545621.

ClinVar aggregate classification (germline): Uncertain significance (1 of 4 stars; one submission).

Allele frequency attached by ClinVar (database versions not stated): gnomAD 0.00001.

Submission:

Labcorp Genetics (formerly Invitae), Labcorp
Classification: Uncertain significance. Last evaluated: 2023-07-13. Review status: criteria provided, single submitter. Criteria: Invitae Variant Classification Sherloc (09022015). Collection method: clinical testing. Allele origin: germline.
Comment: In summary, the available evidence is currently insufficient to determine the role of this variant in disease. Therefore, it has been classified as a Variant of Uncertain Significance. This sequence change replaces leucine, which is neutral and non-polar, with valine, which is neutral and non-polar, at codon 171 of the RAI1 protein (p.Leu171Val). This variant is present in population databases (no rsID available, gnomAD 0.01%). This variant has not been reported in the literature in individuals affected with RAI1-related conditions. Advanced modeling of protein sequence and biophysical properties (such as structural, functional, and spatial information, amino acid conservation, physicochemical variation, residue mobility, and thermodynamic stability) has been performed at Invitae for this missense variant, however the output from this modeling did not meet the statistical confidence thresholds required to predict the impact of this variant on RAI1 protein function.